The following is an entry in ClinVar:

ClinVar aggregate classification (germline): Pathogenic (1 of 4 stars; one submission).

Conditions:
Cardiac anomalies - developmental delay - facial dysmorphism syndrome (MRFACD). Also called: Impaired intellectual development and distinctive facial features with or without cardiac defects; MED13L Syndrome. Identifiers: Orphanet 369891, MedGen C5192431, MONDO:0014773, OMIM 616789.

Submission:

Broad Center for Mendelian Genomics, Broad Institute of MIT and Harvard
Classification: Pathogenic for Cardiac anomalies - developmental delay - facial dysmorphism syndrome. Last evaluated: 2024-12-09. Review status: criteria provided, single submitter. Criteria: ACMG/ClinGen CNV Guidelines, 2019. Collection method: research. Allele origin: de novo. Inheritance: Autosomal dominant inheritance. Affected: yes. Study: GREGoR Consortium.
Comment: A confirmed de novo heterozygous duplication of exons 5-16 and part of exon 17 in MED13L (NM_005121.3) was identified by genome sequencing in 1 individual withImpaired intellectual development and distinctive facial features with or without cardiac defects ([GRCh 38] chr12:115991284_116027907x3; PMID: 38258669). The patient phenotype is nonspecific, but is consistent with cases described in the literature. This intragenic variant is predicted to cause a frameshift, which alters the protein’s amino acid sequence beginning at exon 5 and leads to a premature termination codon. This alteration is then predicted to lead to a truncated or absent protein. Heterozygous loss of function of the MED13L gene is an established disease mechanism in impaired intellectual development with distinctive facial features. In summary, this variant meets criteria to be classified as pathogenic for autosomal dominant impaired intellectual development and distinctive facial features. The ACMG/ClinGen evidence codes and points used in this curation are as follows: 1: 0 points, 2: 0.9 points, 3: 0 points, 4-5: 0.15 points; Total: 1.05 points; Riggs 2020 (PMID: 31690835).

Literature cited by the submitters: PubMed 38258669.

GRCh38/hg38 12q24.21(chr12:115996285-116022906)x3

Gene: MED13L (mediator complex subunit 13L; minus strand). Cytogenetic location: 12q24.21.
Variant type: copy number gain.
Change: copy number 3 (three copies instead of two) of chr12:115,996,285-116,022,906 (26.6 kb, GRCh38 coordinates, 1-based), cytogenetic band 12q24.21.
Identifiers: ClinVar variation 3571454 (VCV003571454.1).